The following is an entry in ClinVar:

NM_006767.4(LZTR1):c.2373C>T (p.His791=)

Gene: LZTR1 (leucine zipper like post translational regulator 1; plus strand). Cytogenetic location: 22q11.21.
Variant type: single nucleotide variant.
Coding change: c.2373C>T on transcript NM_006767.4 (MANE Select); coding-DNA position 2373, C replaced by T.
Protein change: p.His791=; no amino-acid change (histidine 791 retained).
Molecular consequence: synonymous variant.
Genome position (GRCh38, 1-based): chr22:20,996,933, C>T. VCF-style: chr22-20996933-C-T. GRCh37 (hg19) VCF-style: chr22-21351222-C-T.
Other names: NM_006767.4(LZTR1):c.2373C>T; p.His791=.
Identifiers: ClinVar variation 506444 (VCV000506444.42), dbSNP rs148993324, ClinGen allele CA10119380.

ClinVar aggregate classification (germline): Benign. Review status: reviewed by expert panel (3 of 4 stars). 11 submissions from 11 submitters: Benign (1). 10 of the submissions do not count toward it. Last evaluated 2024-09-17.

Conditions:
Noonan syndrome and Noonan-related syndrome. Identifiers: Orphanet 98733, MedGen C5681679, MONDO:0020297.
RASopathy. Also called: Noonan spectrum disorder; rasopathies. Identifiers: Orphanet 536391, MedGen C5555857, MONDO:0021060.
Hereditary cancer-predisposing syndrome. Also called: Hereditary neoplastic syndrome; Neoplastic Syndromes, Hereditary; Hereditary Cancer Syndrome; Tumor predisposition. Identifiers: Orphanet 140162, MedGen C0027672, MeSH D009386, MONDO:0015356.
Cardiovascular phenotype. Identifiers: MedGen CN230736.

Allele frequency attached by ClinVar (database versions not stated): gnomAD exomes 0.00063; ExAC 0.00074; ESP Exome Variant Server 0.00238; gnomAD 0.00284 and 0.00299; TOPMed 0.00341; 1000 Genomes Project 0.00419; 1000 Genomes Project 30x 0.00437.
gnomAD v4.1: 813 of 1,613,576 alleles (0.05%); highest among the groups gnomAD compares: African/African-American, 0.97%; 3 homozygotes.

Submissions (11):

ClinGen RASopathy Variant Curation Expert Panel
Classification: Benign for RASopathy. Last evaluated: 2024-09-17. Review status: reviewed by expert panel. Criteria: ClinGen RASopathy ACMG Specifications LZTR1 V1.1.0. Collection method: curation. Allele origin: germline. Inheritance: Autosomal unknown.
Comment: The NM_006767.4:c.2373C>T (p.His791=) variant is a synonymous (silent) variant that is not predicted by SpliceAI to impact splicing. In addition, it occurs at a nucleotide that is not conserved as shown by UCSC Genome Browser (BP4, BP7). The highest population filtering allele frequency in gnomAD v4 is 0.009141 (730/75058 alleles) in African/African American population, which is higher than the ClinGen RASopathy VCEP threshold (>0.0005) for BA1, and therefore meets this criterion (BA1). In summary, this variant meets the criteria to be classified as benign for RASopathy based on the ACMG/AMP criteria applied, as specified by the ClinGen RASopathy VCEP: BA1, BP4, BP7. (RASopathy VCEP specifications version 1.1; 9/17/2024)

Labcorp Genetics (formerly Invitae), Labcorp
Classification: Benign. Last evaluated: 2026-02-04. Review status: criteria provided, single submitter. Criteria: Invitae Variant Classification Sherloc (09022015). Collection method: clinical testing. Allele origin: germline. Not counted in ClinVar's aggregate classification.

CeGaT Center for Human Genetics Tuebingen
Classification: Likely benign. Last evaluated: 2025-04-01. Review status: criteria provided, single submitter. Criteria: CeGaT Center For Human Genetics Tuebingen Variant Classification Criteria Version 2. Collection method: clinical testing. Allele origin: germline. Affected: yes. Observed: 2 variant alleles. Not counted in ClinVar's aggregate classification.
Comment: LZTR1: BP4, BP7

Mayo Clinic Laboratories, Mayo Clinic
Classification: Likely benign. Last evaluated: 2025-03-06. Review status: criteria provided, single submitter. Criteria: ACMG Guidelines, 2015. Collection method: clinical testing. Allele origin: germline. Observed: 2 variant alleles. Not counted in ClinVar's aggregate classification.
Comment: BS1, BP4, BP7

Blueprint Genetics
Classification: Benign. Last evaluated: 2024-11-13. Review status: criteria provided, single submitter. Criteria: ACMG Guidelines, 2015. Collection method: clinical testing. Allele origin: germline. Not counted in ClinVar's aggregate classification.

GeneDx
Classification: Likely benign. Last evaluated: 2021-09-24. Review status: criteria provided, single submitter. Criteria: GeneDx Variant Classification Process June 2021. Collection method: clinical testing. Allele origin: germline. Affected: yes. Not counted in ClinVar's aggregate classification.

Genome Diagnostics Laboratory, The Hospital for Sick Children
Classification: Benign for Noonan syndrome and Noonan-related syndrome. Last evaluated: 2021-06-21. Review status: criteria provided, single submitter. Criteria: ACMG Guidelines, 2015. Collection method: clinical testing. Allele origin: germline. Not counted in ClinVar's aggregate classification.

Women's Health and Genetics/Laboratory Corporation of America, LabCorp
Classification: Benign. Last evaluated: 2020-10-01. Review status: criteria provided, single submitter. Criteria: LabCorp Variant Classification Summary - May 2015. Collection method: clinical testing. Allele origin: germline. Not counted in ClinVar's aggregate classification.

Ambry Genetics
Classification: Benign for Cardiovascular phenotype; Hereditary cancer-predisposing syndrome. Last evaluated: 2018-12-04. Review status: criteria provided, single submitter. Criteria: Ambry Variant Classification Scheme 2023. Collection method: clinical testing. Allele origin: germline. Not counted in ClinVar's aggregate classification.

Clinical Genetics, Academic Medical Center
Classification: Benign. Review status: no assertion criteria provided. Collection method: clinical testing. Allele origin: germline. Affected: yes. Study: VKGL Data-share Consensus. Not counted in ClinVar's aggregate classification.

Joint Genome Diagnostic Labs from Nijmegen and Maastricht, Radboudumc and MUMC+
Classification: Benign. Review status: no assertion criteria provided. Collection method: clinical testing. Allele origin: germline. Affected: yes. Study: VKGL Data-share Consensus. Not counted in ClinVar's aggregate classification.